The following is an entry in ClinVar:

NM_005602.6(CLDN11):c.232G>A (p.Val78Met)

Gene: CLDN11 (claudin 11; plus strand). Cytogenetic location: 3q26.2.
Variant type: single nucleotide variant.
Coding change: c.232G>A on transcript NM_005602.6 (MANE Select); coding-DNA position 232, G replaced by A.
Protein change: p.Val78Met; replaces valine 78 with methionine.
Molecular consequence: missense variant. On other transcripts: 5 prime UTR variant (1).
Genome position (GRCh38, 1-based): chr3:170,423,168, G>A. VCF-style: chr3-170423168-G-A. GRCh37 (hg19) VCF-style: chr3-170140956-G-A.
Other names: p.Val78Met; c.-21G>A (NM_001185056.2); short protein forms V78M.
Identifiers: ClinVar variation 2683840 (VCV002683840.2), dbSNP rs778801733, ClinGen allele CA2701338.

ClinVar aggregate classification (germline): Uncertain significance (1 of 4 stars; one submission).

Conditions:
Leukodystrophy, hypomyelinating, 22. Identifiers: MedGen C5543406, MONDO:0025701, OMIM 619328.

Allele frequency attached by ClinVar (database versions not stated): gnomAD exomes 0.00001.
gnomAD v4.1: 8 of 1,614,182 alleles (0.0005%); highest among the groups gnomAD compares: South Asian, 0.0066%; no homozygotes.

Submission:

Foundation for Research in Genetics and Endocrinology, FRIGE's Institute of Human Genetics
Classification: Uncertain significance for Leukodystrophy, hypomyelinating, 22. Last evaluated: 2023-12-30. Review status: criteria provided, single submitter. Criteria: ACMG Guidelines, 2015. Collection method: clinical testing. Allele origin: germline. Inheritance: Autosomal dominant inheritance. Affected: yes. Observed: 1 heterozygote.
Comment: A heterozygous missense variant in exon 2 of the CLDN11 gene that results in the amino acid substitution of Methionine for Valine at codon 78 (p.Val78Met) was detected. The observed variant has not been reported in the 1000 genomes, gnomAD (v3.1), gnomdAD (v2.1) and topmed databases. The in silico prediction of the variant are damaging by SIFT and LRT. The reference codon is conserved across species. In summary, the variant meets our criteria to be classified as variant of uncertain significance.